The following is an entry in ClinVar:

ClinVar aggregate classification (germline): Uncertain significance (1 of 4 stars; one submission).

Conditions:
Deficiency of adenosine deaminase 2. Also called: Polyarteritis nodosa, childhoood-onset; Adenosine Deaminase 2 Deficiency; VASCULITIS, AUTOINFLAMMATION, IMMUNODEFICIENCY, AND HEMATOLOGIC DEFECTS SYNDROME. Identifiers: Orphanet 404553, MedGen C3887654, MONDO:0014306, OMIM 615688, MONDO:0100317.

Allele frequency attached by ClinVar (database versions not stated): TOPMed 0.00001.
gnomAD v4.1: 5 of 1,614,182 alleles (0.00031%); highest among the groups gnomAD compares: Non-Finnish European, 0.00042%; no homozygotes.

Submission:

Labcorp Genetics (formerly Invitae), Labcorp
Classification: Uncertain significance for Deficiency of adenosine deaminase 2. Last evaluated: 2019-10-29. Review status: criteria provided, single submitter. Criteria: Invitae Variant Classification Sherloc (09022015). Collection method: clinical testing. Allele origin: germline.
Comment: This sequence change replaces valine with alanine at codon 203 of the ADA2 protein (p.Val203Ala). The valine residue is moderately conserved and there is a small physicochemical difference between valine and alanine. This variant is not present in population databases (ExAC no frequency). This variant has not been reported in the literature in individuals with ADA2-related conditions. Algorithms developed to predict the effect of missense changes on protein structure and function are either unavailable or do not agree on the potential impact of this missense change (SIFT: "Deleterious"; PolyPhen-2: "Benign"; Align-GVGD: "Class C25"). In summary, the available evidence is currently insufficient to determine the role of this variant in disease. Therefore, it has been classified as a Variant of Uncertain Significance.

NM_001282225.2(ADA2):c.608T>C (p.Val203Ala)

Gene: ADA2 (adenosine deaminase 2; minus strand). Cytogenetic location: 22q11.1.
Variant type: single nucleotide variant.
Coding change: c.608T>C on transcript NM_001282225.2 (MANE Select); coding-DNA position 608, T replaced by C.
Protein change: p.Val203Ala; replaces valine 203 with alanine.
Molecular consequence: missense variant.
Genome position (GRCh38, 1-based): chr22:17,203,708, A>G on the plus strand (T>C on the coding strand, the complement: ADA2 is on the minus strand). VCF-style: chr22-17203708-A-G. GRCh37 (hg19) VCF-style: chr22-17684598-A-G.
Other names: c.608T>C, p.Val203Ala (NM_001282226.2); c.482T>C, p.Val161Ala (NM_001282227.2, NM_001282228.2); c.248T>C, p.Val83Ala (NM_001282229.2); short protein forms V161A, V203A, V83A.
Identifiers: ClinVar variation 953832 (VCV000953832.9), dbSNP rs1340031421, ClinGen allele CA410228588.